The following is an entry in ClinVar:

NM_018139.3(DNAAF2):c.751dup (p.Thr251fs)

Gene: DNAAF2 (dynein axonemal assembly factor 2; minus strand). Cytogenetic location: 14q21.3.
Variant type: Duplication.
Coding change: c.751dup on transcript NM_018139.3 (MANE Select); coding-DNA position 751, one base duplicated (A; older notation c.751dupA).
Protein change: p.Thr251fs; shifts the reading frame from threonine 251.
Molecular consequence: frameshift variant.
Genome position (GRCh38, 1-based): chr14:49,634,399, T duplicated on the plus strand (A on the coding strand, the reverse complement: DNAAF2 is on the minus strand). VCF-style (leftmost placement, unchanged base first): chr14-49634398-G-GT. GRCh37 (hg19) VCF-style: chr14-50101116-G-GT.
Other names: c.751dup, p.Thr251fs (NM_001083908.2); short protein forms T251fs.
Identifiers: ClinVar variation 3234972 (VCV003234972.1), dbSNP rs2502770144, ClinGen allele CA2825002228.

ClinVar aggregate classification (germline): Likely pathogenic (1 of 4 stars; one submission).

Conditions:
Primary ciliary dyskinesia 10. Also called: CILIARY DYSKINESIA, PRIMARY, 10, WITH OR WITHOUT SITUS INVERSUS. Identifiers: Orphanet 244, MedGen C2675867, MONDO:0012918, OMIM 612518.

Submission:

Neuberg Centre For Genomic Medicine, NCGM
Classification: Likely pathogenic for Primary ciliary dyskinesia 10. Review status: criteria provided, single submitter. Criteria: ACMG Guidelines, 2015. Collection method: clinical testing. Allele origin: germline. Inheritance: Autosomal recessive inheritance. Affected: yes.
Comment: The frameshift c.751dupp.Thr251AsnfsTer32 variant in DNAAF2 gene has not been reported previously as a pathogenic variant nor as a benign variant, to our knowledge. This variant is novel not in any individuals in gnomAD Exomes and 1000 Genomes. This variant causes a frameshift starting with codon Threonine 251, changes this amino acid to Asparagine residue, and creates a premature Stop codon at position 32 of the new reading frame, denoted p.Thr251AsnfsTer32. This variant is predicted to cause loss of normal protein function either through protein truncation or nonsense-mediated mRNA decay. Loss of function variants have been previously reported to be disease causing. For these reasons, this variant has been classified as Likely Pathogenic.